The following is an entry in ClinVar:

NM_006371.5(CRTAP):c.794-2A>G

Gene: CRTAP (cartilage associated protein; plus strand). Cytogenetic location: 3p22.3.
Variant type: single nucleotide variant.
Coding change: c.794-2A>G on transcript NM_006371.5 (MANE Select); the canonical splice acceptor site of the intron before coding-DNA position 794, A replaced by G.
Molecular consequence: splice acceptor variant. On other transcripts: intron variant (1).
Genome position (GRCh38, 1-based): chr3:33,129,937, A>G. VCF-style: chr3-33129937-A-G. GRCh37 (hg19) VCF-style: chr3-33171429-A-G.
Other names: c.794-2A>G (NM_001393363.1); c.794-2618A>G (NM_001393364.1); c.644-2A>G (NM_001393365.1).
Identifiers: ClinVar variation 1477218 (VCV001477218.6), dbSNP rs2125602711, ClinGen allele CA351996543.

ClinVar aggregate classification (germline): Likely pathogenic (1 of 4 stars; one submission).

Conditions:
Osteogenesis imperfecta type 7 (OI7). Also called: OSTEOGENESIS IMPERFECTA, TYPE IIB; OI type 7; OI type VII; Osteogenesis imperfecta type 2B; OI type 2B; Osteogenesis imperfecta, perinatal lethal autosomal recessive. Identifiers: MedGen C1853162, MONDO:0012536, OMIM 610682.

Submission:

Labcorp Genetics (formerly Invitae), Labcorp
Classification: Likely pathogenic for Osteogenesis imperfecta type 7. Last evaluated: 2021-11-27. Review status: criteria provided, single submitter. Criteria: Invitae Variant Classification Sherloc (09022015). Collection method: clinical testing. Allele origin: germline.
Comment: In summary, the currently available evidence indicates that the variant is pathogenic, but additional data are needed to prove that conclusively. Therefore, this variant has been classified as Likely Pathogenic. Algorithms developed to predict the effect of sequence changes on RNA splicing suggest that this variant may disrupt the consensus splice site. Disruption of this splice site has been observed in individual(s) with CRTAP-related osteogenesis imperfecta (Invitae). This variant is not present in population databases (gnomAD no frequency). This sequence change affects an acceptor splice site in intron 3 of the CRTAP gene. It is expected to disrupt RNA splicing. Variants that disrupt the donor or acceptor splice site typically lead to a loss of protein function (PMID: 16199547), and loss-of-function variants in CRTAP are known to be pathogenic (PMID: 17055431, 19862557, 24715559).

Literature cited by the submitters: PubMed 16199547; PubMed 17055431; PubMed 19862557; PubMed 24715559.